The following is an entry in ClinVar:

NM_001165963.4(SCN1A):c.2767A>G (p.Ile923Val)

Gene: SCN1A (sodium voltage-gated channel alpha subunit 1; minus strand). Cytogenetic location: 2q24.3.
Variant type: single nucleotide variant.
Coding change: c.2767A>G on transcript NM_001165963.4 (MANE Select); coding-DNA position 2767, A replaced by G.
Protein change: p.Ile923Val; replaces isoleucine 923 with valine.
Molecular consequence: missense variant. On other transcripts: non-coding transcript variant (1).
Genome position (GRCh38, 1-based): chr2:166,037,955, T>C on the plus strand (A>G on the coding strand, the complement: SCN1A is on the minus strand). VCF-style: chr2-166037955-T-C. GRCh37 (hg19) VCF-style: chr2-166894465-T-C.
Other names: c.2683A>G, p.Ile895Val (NM_001165964.3, NM_001353957.2, NM_001353958.2); c.2767A>G, p.Ile923Val (NM_001202435.3, NM_001353948.2); c.2734A>G, p.Ile912Val (NM_001353949.2, NM_001353950.2, NM_001353951.2 and 2 more transcripts); c.2731A>G, p.Ile911Val (NM_001353954.2, NM_001353955.2); c.2680A>G, p.Ile894Val (NM_001353960.2); c.325A>G, p.Ile109Val (NM_001353961.2); short protein forms I109V, I894V, I895V, I911V, I912V, I923V.
Identifiers: ClinVar variation 1309067 (VCV001309067.4), dbSNP rs2105807305, ClinGen allele CA349061417.

ClinVar aggregate classification (germline): Uncertain significance. Review status: criteria provided, multiple submitters, no conflicts (2 of 4 stars). 2 submissions from 2 submitters: Uncertain significance (2). Last evaluated 2024-11-19.

Conditions:
Early-infantile DEE. Also called: Early infantile epileptic encephalopathy; Early infantile epileptic encephalopathy with suppression bursts; Ohtahara syndrome. Identifiers: Orphanet 1934, MedGen C0393706, MONDO:0800491.

Allele frequency attached by ClinVar (database versions not stated): gnomAD exomes below 0.00001.
gnomAD v4.1: 2 of 1,614,188 alleles (0.00012%); highest among the groups gnomAD compares: Non-Finnish European, 0.00017%; no homozygotes.

Submissions (2):

Labcorp Genetics (formerly Invitae), Labcorp
Classification: Uncertain significance for Early-infantile DEE. Last evaluated: 2024-11-19. Review status: criteria provided, single submitter. Criteria: Invitae Variant Classification Sherloc (09022015). Collection method: clinical testing. Allele origin: germline.
Comment: This sequence change replaces isoleucine, which is neutral and non-polar, with valine, which is neutral and non-polar, at codon 923 of the SCN1A protein (p.Ile923Val). This variant is not present in population databases (gnomAD no frequency). This variant has not been reported in the literature in individuals affected with SCN1A-related conditions. ClinVar contains an entry for this variant (Variation ID: 1309067). Invitae Evidence Modeling of protein sequence and biophysical properties (such as structural, functional, and spatial information, amino acid conservation, physicochemical variation, residue mobility, and thermodynamic stability) indicates that this missense variant is expected to disrupt SCN1A protein function with a positive predictive value of 95%. In summary, the available evidence is currently insufficient to determine the role of this variant in disease. Therefore, it has been classified as a Variant of Uncertain Significance.

GeneDx
Classification: Uncertain significance. Last evaluated: 2019-10-10. Review status: criteria provided, single submitter. Criteria: GeneDx Variant Classification Process June 2021. Collection method: clinical testing. Allele origin: germline. Affected: yes.
Comment: Not observed in large population cohorts (Lek et al., 2016); The majority of missense variants in this gene are considered pathogenic [(Stenson et al., 2014; other references)]; In silico analysis, which includes protein predictors and evolutionary conservation, supports that this variant does not alter protein structure/function; Has not been previously published as pathogenic or benign to our knowledge; This substitution is predicted to be within the extracellular loop between the S5 and S6 transmembrane segments of the second homologous domain